The following is an entry in ClinVar:

NM_002291.3(LAMB1):c.1189+85G>T

Gene: LAMB1 (laminin subunit beta 1; minus strand). Cytogenetic location: 7q31.1.
Variant type: single nucleotide variant.
Coding change: c.1189+85G>T on transcript NM_002291.3 (MANE Select); 85 bases into the intron after coding-DNA position 1189, G replaced by T.
Molecular consequence: intron variant.
Genome position (GRCh38, 1-based): chr7:107,975,604, C>A on the plus strand (G>T on the coding strand, the complement: LAMB1 is on the minus strand). VCF-style: chr7-107975604-C-A. GRCh37 (hg19) VCF-style: chr7-107616049-C-A.
Identifiers: ClinVar variation 682973 (VCV000682973.2), dbSNP rs11770289, ClinGen allele CA12702958.

ClinVar aggregate classification (germline): Benign. Review status: criteria provided, multiple submitters, no conflicts (2 of 4 stars). 2 submissions from 2 submitters: Benign (2). Last evaluated 2018-06-14.

Allele frequency attached by ClinVar (database versions not stated): 1000 Genomes Project 0.07608; 1000 Genomes Project 30x 0.07792; gnomAD 0.08219 and 0.08303; TOPMed 0.08847.
gnomAD v4.1: 125,259 of 1,353,778 alleles (9.3%); highest among the groups gnomAD compares: Admixed American, 15%; 6,239 homozygotes.

Submissions (2):

GeneDx
Classification: Benign. Last evaluated: 2018-06-14. Review status: criteria provided, single submitter. Criteria: GeneDx Variant Classification (06012015). Collection method: clinical testing. Allele origin: germline. Affected: yes.
Comment: This variant is considered likely benign or benign based on one or more of the following criteria: it is a conservative change, it occurs at a poorly conserved position in the protein, it is predicted to be benign by multiple in silico algorithms, and/or has population frequency not consistent with disease.

Breakthrough Genomics
Classification: Benign. Review status: criteria provided, single submitter. Criteria: ACMG Guidelines, 2015. Collection method: not provided. Allele origin: germline. Inheritance: Autosomal recessive inheritance. Affected: yes.